The following is an entry in ClinVar:

ClinVar aggregate classification (germline): Uncertain significance. Review status: criteria provided, multiple submitters, no conflicts (2 of 4 stars). 3 submissions from 3 submitters: Uncertain significance (3). Last evaluated 2026-02-06.

Conditions:
Wilson disease (WND). Also called: Wilson's disease. Identifiers: Orphanet 905, MedGen C0019202, MONDO:0010200, OMIM 277900. Disease mechanism: loss of function.

Allele frequency attached by ClinVar (database versions not stated): ExAC 0.00002; gnomAD exomes 0.00002.
gnomAD v4.1: 13 of 1,613,664 alleles (0.00081%); highest among the groups gnomAD compares: Non-Finnish European, 0.0011%; no homozygotes.

Submissions (3):

GeneDx
Classification: Uncertain significance. Last evaluated: 2026-02-06. Review status: criteria provided, single submitter. Criteria: GeneDx Variant Classification Process June 2021. Collection method: clinical testing. Allele origin: germline.
Comment: Not observed at significant frequency in large population cohorts (gnomAD); In silico analysis suggests that this missense variant does not alter protein structure/function; Has not been previously published as pathogenic or benign to our knowledge

Color Diagnostics, LLC DBA Color Health
Classification: Uncertain significance for Wilson disease. Last evaluated: 2024-02-13. Review status: criteria provided, single submitter. Criteria: ACMG Guidelines, 2015. Collection method: clinical testing. Allele origin: germline.
Comment: This missense variant replaces threonine with isoleucine at codon 433 of the ATP7B protein. Computational prediction suggests that this variant may not impact protein structure and function. To our knowledge, functional studies have not been reported for this variant. This variant has not been reported in individuals affected with ATP7B-related disorders in the literature. This variant has been identified in 6/279834 chromosomes in the general population by the Genome Aggregation Database (gnomAD). The available evidence is insufficient to determine the role of this variant in disease conclusively. Therefore, this variant is classified as a Variant of Uncertain Significance.

Illumina Laboratory Services, Illumina
Classification: Uncertain significance for Wilson disease. Last evaluated: 2018-01-13. Review status: criteria provided, single submitter. Criteria: ICSL Variant Classification Criteria 13 December 2019. Collection method: clinical testing. Allele origin: germline.

NM_000053.4(ATP7B):c.1298C>T (p.Thr433Ile)

Gene: ATP7B (ATPase copper transporting beta; minus strand). Cytogenetic location: 13q14.3.
Variant type: single nucleotide variant.
Coding change: c.1298C>T on transcript NM_000053.4 (MANE Select); coding-DNA position 1298, C replaced by T.
Protein change: p.Thr433Ile; replaces threonine 433 with isoleucine.
Molecular consequence: missense variant.
Genome position (GRCh38, 1-based): chr13:51,970,737, G>A on the plus strand (C>T on the coding strand, the complement: ATP7B is on the minus strand). VCF-style: chr13-51970737-G-A. GRCh37 (hg19) VCF-style: chr13-52544873-G-A.
Other names: c.1298C>T, p.Thr433Ile (NM_001005918.3, NM_001330578.2, NM_001330579.2); c.965C>T, p.Thr322Ile (NM_001243182.2); short protein forms T322I, T433I.
Identifiers: ClinVar variation 883034 (VCV000883034.6), dbSNP rs763788226, ClinGen allele CA6989380.